The following is an entry in ClinVar:

NM_003597.5(KLF11):c.1144T>C (p.Cys382Arg)

Gene: KLF11 (KLF transcription factor 11; plus strand). Cytogenetic location: 2p25.1.
Variant type: single nucleotide variant.
Coding change: c.1144T>C on transcript NM_003597.5 (MANE Select); coding-DNA position 1144, T replaced by C.
Protein change: p.Cys382Arg; replaces cysteine 382 with arginine.
Molecular consequence: missense variant.
Genome position (GRCh38, 1-based): chr2:10,048,481, T>C. VCF-style: chr2-10048481-T-C. GRCh37 (hg19) VCF-style: chr2-10188608-T-C.
Other names: c.1093T>C, p.Cys365Arg (NM_001177716.2, NM_001177718.2); short protein forms C365R, C382R.
Identifiers: ClinVar variation 2539746 (VCV002539746.5), dbSNP rs775405476, ClinGen allele CA1525698.
Genomic context (GRCh38, chr2:10,048,481, plus strand): 5'-GGGAATACCAAGTTGTTGCCCCTTGCCCCTGCTCCAGTGTTCATCACCTCTAGCCAAAAC[T>C]GTGTCCCTCAGGTAGACTTTTCCCGAAGGAGGAACTATGTATGCAGCTTCCCAGGTTGCC-3'
Protein context (NP_003588.1, residues 372-392): APVFITSSQN[Cys382Arg]VPQVDFSRRR

ClinVar aggregate classification (germline): Uncertain significance. Review status: criteria provided, multiple submitters, no conflicts (2 of 4 stars). 2 submissions from 2 submitters: Uncertain significance (2). Last evaluated 2023-04-24.

Allele frequency attached by ClinVar (database versions not stated): gnomAD 0.00001; gnomAD exomes 0.00001; TOPMed 0.00001; ExAC 0.00002.
gnomAD v4.1: 12 of 1,613,886 alleles (0.00074%); highest among the groups gnomAD compares: Non-Finnish European, 0.001%; no homozygotes.

Submissions (2):

Ambry Genetics
Classification: Uncertain significance. Last evaluated: 2023-04-24. Review status: criteria provided, single submitter. Criteria: Ambry Variant Classification Scheme 2023. Collection method: clinical testing. Allele origin: germline.

Labcorp Genetics (formerly Invitae), Labcorp
Classification: Uncertain significance. Last evaluated: 2023-02-02. Review status: criteria provided, single submitter. Criteria: Invitae Variant Classification Sherloc (09022015). Collection method: clinical testing. Allele origin: germline.
Comment: In summary, the available evidence is currently insufficient to determine the role of this variant in disease. Therefore, it has been classified as a Variant of Uncertain Significance. Algorithms developed to predict the effect of missense changes on protein structure and function are either unavailable or do not agree on the potential impact of this missense change (SIFT: "Deleterious"; PolyPhen-2: "Possibly Damaging"; Align-GVGD: "Class C0"). This variant has not been reported in the literature in individuals affected with KLF11-related conditions. This variant is present in population databases (rs775405476, gnomAD 0.006%). This sequence change replaces cysteine, which is neutral and slightly polar, with arginine, which is basic and polar, at codon 382 of the KLF11 protein (p.Cys382Arg).